The following is an entry in ClinVar:

NM_025114.4(CEP290):c.1769G>C (p.Ser590Thr)

Gene: CEP290 (centrosomal protein 290; minus strand). Cytogenetic location: 12q21.32.
Variant type: single nucleotide variant.
Coding change: c.1769G>C on transcript NM_025114.4 (MANE Select); coding-DNA position 1769, G replaced by C.
Protein change: p.Ser590Thr; replaces serine 590 with threonine.
Molecular consequence: missense variant.
Genome position (GRCh38, 1-based): chr12:88,117,088, C>G on the plus strand (G>C on the coding strand, the complement: CEP290 is on the minus strand). VCF-style: chr12-88117088-C-G. GRCh37 (hg19) VCF-style: chr12-88510865-C-G.
Other names: short protein forms S590T.
Identifiers: ClinVar variation 2064344 (VCV002064344.4), dbSNP rs1191606002, ClinGen allele CA385978197.

ClinVar aggregate classification (germline): Uncertain significance (1 of 4 stars; one submission).

Conditions:
Joubert syndrome. Also called: CEREBELLOPARENCHYMAL DISORDER IV; JOUBERT-BOLTSHAUSER SYNDROME; Familial aplasia of the vermis. Identifiers: Orphanet 475, MedGen C5979921, MONDO:0018772.
Nephronophthisis. Also called: Juvenile Nephronophthisis. Identifiers: Orphanet 655, MedGen C0687120, MONDO:0019005, HP:0000090.
Meckel-Gruber syndrome. Also called: DYSENCEPHALIA SPLANCHNOCYSTICA; GRUBER SYNDROME; Dysencephalia splachnocystica. Identifiers: Orphanet 564, MedGen C0265215, MONDO:0018921.

Allele frequency attached by ClinVar (database versions not stated): gnomAD exomes below 0.00001.
gnomAD v4.1: 2 of 1,560,916 alleles (0.00013%); highest among the groups gnomAD compares: Non-Finnish European, 0.00017%; no homozygotes.

Submission:

Labcorp Genetics (formerly Invitae), Labcorp
Classification: Uncertain significance for Joubert syndrome; Meckel-Gruber syndrome; Nephronophthisis. Last evaluated: 2025-01-15. Review status: criteria provided, single submitter. Criteria: Invitae Variant Classification Sherloc (09022015). Collection method: clinical testing. Allele origin: germline.
Comment: This sequence change replaces serine, which is neutral and polar, with threonine, which is neutral and polar, at codon 590 of the CEP290 protein (p.Ser590Thr). This variant is not present in population databases (gnomAD no frequency). This variant has not been reported in the literature in individuals affected with CEP290-related conditions. ClinVar contains an entry for this variant (Variation ID: 2064344). Invitae Evidence Modeling of protein sequence and biophysical properties (such as structural, functional, and spatial information, amino acid conservation, physicochemical variation, residue mobility, and thermodynamic stability) indicates that this missense variant is not expected to disrupt CEP290 protein function with a negative predictive value of 80%. In summary, the available evidence is currently insufficient to determine the role of this variant in disease. Therefore, it has been classified as a Variant of Uncertain Significance.